The following is an entry in ClinVar:

NM_024757.5(EHMT1):c.1709C>T (p.Pro570Leu)

Gene: EHMT1 (euchromatic histone lysine methyltransferase 1; plus strand). Cytogenetic location: 9q34.3.
Variant type: single nucleotide variant.
Coding change: c.1709C>T on transcript NM_024757.5 (MANE Select); coding-DNA position 1709, C replaced by T.
Protein change: p.Pro570Leu; replaces proline 570 with leucine.
Molecular consequence: missense variant.
Genome position (GRCh38, 1-based): chr9:137,775,170, C>T. VCF-style: chr9-137775170-C-T. GRCh37 (hg19) VCF-style: chr9-140669622-C-T.
Other names: c.1709C>T, p.Pro570Leu (NM_001145527.2); c.1616C>T, p.Pro539Leu (NM_001354259.2); c.1688C>T, p.Pro563Leu (NM_001354263.2); short protein forms P539L, P563L, P570L.
Identifiers: ClinVar variation 1558228 (VCV001558228.9), dbSNP rs1335055740, ClinGen allele CA375773680.
Genomic context (GRCh38, chr9:137,775,170, plus strand): 5'-TGGGCCGGTGCACAAACAGCGTGGTCAAGTATGAGCTGATGCGCCCCTCCAACAAGGCCC[C>T]GCTCCTCGTGCTGTGTGAAGACCACCGGGGCCGCATGGTGAAGCACCAGTGCTGTCCTGG-3'
Protein context (NP_079033.4, residues 560-580): YELMRPSNKA[Pro570Leu]LLVLCEDHRG

ClinVar aggregate classification (germline): Conflicting classifications of pathogenicity. Review status: criteria provided, conflicting classifications (1 of 4 stars). 2 submissions from 2 submitters: Uncertain significance (1); Likely benign (1). Last evaluated 2025-12-31.

Conditions:
Kleefstra syndrome 1 (KLEFS1). Identifiers: Orphanet 261494, MedGen C0795833, MONDO:0027407, OMIM 610253.

gnomAD v4.1: 5 of 1,614,012 alleles (0.00031%); highest among the groups gnomAD compares: African/African-American, 0.0013%; no homozygotes.

Submissions (2):

Women's Health and Genetics/Laboratory Corporation of America, LabCorp
Classification: Uncertain significance. Last evaluated: 2025-12-31. Review status: criteria provided, single submitter. Criteria: LabCorp Variant Classification Summary - May 2015. Collection method: clinical testing. Allele origin: germline.
Comment: Variant summary: EHMT1 c.1709C>T (p.Pro570Leu) results in a non-conservative amino acid change in the encoded protein sequence. Algorithms developed to predict the effect of missense changes on protein structure and function are either unavailable or do not agree on the potential impact of this missense change. The variant was absent in 251134 control chromosomes. The available data on variant occurrences in the general population are insufficient to allow any conclusion about variant significance. To our knowledge, no occurrence of c.1709C>T in individuals affected with EHMT1-related conditions and no experimental evidence demonstrating its impact on protein function have been reported. ClinVar contains an entry for this variant (Variation ID: 1558228). Based on the evidence outlined above, the variant was classified as uncertain significance.

Labcorp Genetics (formerly Invitae), Labcorp
Classification: Likely benign for Kleefstra syndrome 1. Last evaluated: 2024-07-11. Review status: criteria provided, single submitter. Criteria: Invitae Variant Classification Sherloc (09022015). Collection method: clinical testing. Allele origin: germline.